The following is an entry in ClinVar:

ClinVar aggregate classification (germline): Likely benign (0 of 4 stars; one submission).

Conditions:
TTN-related disorder. Also called: TTN-related condition; TTN-related disease; TTN-related disorders.

Submission:

PreventionGenetics, part of Exact Sciences
Classification: Likely benign for TTN-related condition. Last evaluated: 2019-03-11. Review status: no assertion criteria provided. Collection method: clinical testing. Allele origin: germline.
Comment: This variant is classified as likely benign based on ACMG/AMP sequence variant interpretation guidelines (Richards et al. 2015 PMID: 25741868, with internal and published modifications).

NM_001267550.2(TTN):c.29157A>T (p.Ala9719=)

Gene: TTN (titin; minus strand). Cytogenetic location: 2q31.2.
Variant type: single nucleotide variant.
Coding change: c.29157A>T on transcript NM_001267550.2 (MANE Select); coding-DNA position 29157, A replaced by T.
Protein change: p.Ala9719=; no amino-acid change (alanine 9719 retained).
Molecular consequence: synonymous variant. On other transcripts: intron variant (3).
Genome position (GRCh38, 1-based): chr2:178,706,717, T>A on the plus strand (A>T on the coding strand, the complement: TTN is on the minus strand). VCF-style: chr2-178706717-T-A. GRCh37 (hg19) VCF-style: chr2-179571444-T-A.
Other names: c.28206A>T, p.Ala9402= (NM_001256850.1); c.25425A>T, p.Ala8475= (NM_133378.4); c.13282+31365A>T (NM_003319.4); c.13858+31365A>T (NM_133437.4); c.13657+31365A>T (NM_133432.3).
Identifiers: ClinVar variation 3046793 (VCV003046793.2), dbSNP rs2475385104, ClinGen allele CA430279769.
Genomic context (GRCh38, chr2:178,706,717, plus strand): 5'-CAGCTGTCTCCACTTCCCTTTTGTCCATTTAACATTTGGGATTGGGTCACCTCCAACTTT[T>A]GCAATGAAGGTCGCAGTGGTTTCTAAGGAATAATGAAAACAAGTGAATAAAAATTTAATT-3'
Protein context (NP_001254479.2, residues 9709-9729): VVEKTTATFI[Ala9719=]KVGGDPIPNV